The following is an entry in ClinVar:

NM_000038.6(APC):c.3458_3459dup (p.Glu1154fs)

Gene: APC (APC regulator of Wnt signaling pathway; plus strand). Cytogenetic location: 5q22.2.
Variant type: Duplication.
Coding change: c.3458_3459dup on transcript NM_000038.6 (MANE Select); coding-DNA positions 3458 to 3459, 2 bases duplicated (AT; older notation c.3458_3459dupAT).
Protein change: p.Glu1154fs; shifts the reading frame from glutamic acid 1154.
Molecular consequence: frameshift variant. On other transcripts: non-coding transcript variant (2).
Genome position (GRCh38, 1-based): chr5:112,839,052-112,839,053, AT duplicated. VCF-style (leftmost placement, unchanged base first): chr5-112839051-C-CAT. GRCh37 (hg19) VCF-style: chr5-112174748-C-CAT.
Other names: c.3209_3210dup, p.Glu1071fs (NM_001407454.1, NM_001407455.1, NM_001407456.1 and 1 more transcripts); c.3155_3156dup, p.Glu1053fs (NM_001407458.1, NM_001407459.1, NM_001407460.1 and 1 more transcripts); c.3071_3072dup, p.Glu1025fs (NM_001407467.1, NM_001407469.1); c.2609_2610dup, p.Glu871fs (NM_001407470.1, NM_001354906.2); c.2306_2307dup, p.Glu770fs (NM_001407471.1, NM_001407472.1); c.3458_3459dup, p.Glu1154fs (NM_001127510.3, NM_001354895.2, NM_001407450.1); c.3404_3405dup, p.Glu1136fs (NM_001127511.3); c.3512_3513dup, p.Glu1172fs (NM_001354896.2, NM_001407447.1, NM_001407448.1 and 1 more transcripts); and 11 more; short protein forms E1095fs, E1164fs, E1182fs, E871fs, E1053fs, E1063fs, E1126fs, E1144fs.
Identifiers: ClinVar variation 2566993 (VCV002566993.2), dbSNP rs2533499731, ClinGen allele CA2580612775.

ClinVar aggregate classification (germline): Pathogenic (1 of 4 stars; one submission).

Conditions:
Hereditary cancer-predisposing syndrome. Also called: Hereditary neoplastic syndrome; Hereditary Cancer Syndrome; Neoplastic Syndromes, Hereditary; Tumor predisposition. Identifiers: Orphanet 140162, MedGen C0027672, MeSH D009386, MONDO:0015356.

Submission:

Ambry Genetics
Classification: Pathogenic for Hereditary cancer-predisposing syndrome. Last evaluated: 2023-05-08. Review status: criteria provided, single submitter. Criteria: Ambry Variant Classification Scheme 2023. Collection method: clinical testing. Allele origin: germline.
Comment: The c.3458_3459dupAT pathogenic mutation, located in coding exon 15 of the APC gene, results from a duplication of AT at nucleotide position 3458, causing a translational frameshift with a predicted alternate stop codon (p.E1154Mfs*12). This alteration has been observed in at least one individual with a personal and/or family history that is consistent with APC-related disease (Ambry internal data). This variant is considered to be rare based on population cohorts in the Genome Aggregation Database (gnomAD). This alteration is expected to result in loss of function by premature protein truncation or nonsense-mediated mRNA decay. As such, this alteration is interpreted as a disease-causing mutation.